The following is an entry in ClinVar:

NM_020166.5(MCCC1):c.1193_1194del (p.Val398fs)

Gene: MCCC1 (methylcrotonyl-CoA carboxylase subunit 1; minus strand). Cytogenetic location: 3q27.1.
Variant type: Microsatellite.
Coding change: c.1193_1194del on transcript NM_020166.5 (MANE Select); coding-DNA positions 1193 to 1194, 2 bases deleted (TG; older notation c.1193_1194delTG).
Protein change: p.Val398fs; shifts the reading frame from valine 398.
Molecular consequence: frameshift variant. On other transcripts: non-coding transcript variant (2).
Genome position (GRCh38, 1-based): chr3:183,041,640-183,041,641, CA deleted on the plus strand (TG on the coding strand, the reverse complement: MCCC1 is on the minus strand); deleting any 2 consecutive bases within chr3:183,041,640-183,041,643 gives the same sequence; the c. name uses the placement nearest the transcript's 3' end. VCF-style (leftmost placement, unchanged base first): chr3-183041639-CCA-C. GRCh37 (hg19) VCF-style: chr3-182759427-CCA-C.
Other names: c.842_843del, p.Val281fs (NM_001293273.2); c.866_867del, p.Val289fs (NM_001363880.1); short protein forms V281fs, V398fs, V289fs.
Identifiers: ClinVar variation 203798 (VCV000203798.50), dbSNP rs796051985, ClinGen allele CA312680.
Genomic context (GRCh38, chr3:183,041,639, plus strand): 5'-CAGTTTCAATCCTGGTGGAAGGGTCTGCTCGAGGAGTAGAGAGGTGCACTAATGGGCCTG[CCA>C]CAGGCATGAAGTTATTGCTAGGATCTTCTGCATATATTCTAGCTTCGAAGGCATGGCCCT-3'

ClinVar aggregate classification (germline): Pathogenic. Review status: criteria provided, multiple submitters, no conflicts (2 of 4 stars). 5 submissions from 5 submitters: Pathogenic (5). Last evaluated 2025-09-21.

Conditions:
3-methylcrotonyl-CoA carboxylase 1 deficiency (MCC1D). Also called: MCC 1 deficiency; 3 Alpha methylcrotonylglycinuria 1; MCCD TYPE 1; METHYLCROTONYLGLYCINURIA TYPE I. Identifiers: Orphanet 6, MedGen CN028786, MONDO:0008861, OMIM 210200.

Submissions (5):

Labcorp Genetics (formerly Invitae), Labcorp
Classification: Pathogenic for 3-methylcrotonyl-CoA carboxylase 1 deficiency. Last evaluated: 2025-09-21. Review status: criteria provided, single submitter. Criteria: Invitae Variant Classification Sherloc (09022015). Collection method: clinical testing. Allele origin: germline.
Comment: This sequence change creates a premature translational stop signal (p.Val398Glyfs*19) in the MCCC1 gene. It is expected to result in an absent or disrupted protein product. Loss-of-function variants in MCCC1 are known to be pathogenic (PMID: 11181649, 15359379, 22642865). This variant is present in population databases (rs796051985, gnomAD 0.002%). This premature translational stop signal has been observed in individual(s) with 3-methylcrotonyl-CoA carboxylase deficiency (PMID: 22642865). For these reasons, this variant has been classified as Pathogenic.

Fulgent Genetics
Classification: Pathogenic for 3-methylcrotonyl-CoA carboxylase 1 deficiency. Last evaluated: 2024-06-12. Review status: criteria provided, single submitter. Criteria: ACMG Guidelines, 2015. Collection method: clinical testing. Allele origin: germline.

Baylor Genetics
Classification: Pathogenic for 3-methylcrotonyl-CoA carboxylase 1 deficiency. Last evaluated: 2023-12-18. Review status: criteria provided, single submitter. Criteria: ACMG Guidelines, 2015. Collection method: clinical testing. Allele origin: unknown.

CeGaT Center for Human Genetics Tuebingen
Classification: Pathogenic. Last evaluated: 2019-07-01. Review status: criteria provided, single submitter. Criteria: CeGaT Center For Human Genetics Tuebingen Variant Classification Criteria Version 2. Collection method: clinical testing. Allele origin: germline. Affected: yes. Observed: 2 variant alleles.

GeneDx
Classification: Pathogenic. Last evaluated: 2014-06-12. Review status: criteria provided, single submitter. Criteria: GeneDx Variant Classification (06012015). Collection method: clinical testing. Allele origin: germline. Affected: yes.
Comment: The c.1193_1194delTG mutation in the MCCC1 gene has been reported previously in association with 3-methylcrotonyl-CoA carboxylase (3-MCC) deficiency (Grunert et al., 2012). The deletion causes a frameshift starting with codon Valine 398, changes this amino acid to a Glycine residue and creates a premature Stop codon at position 19 of the new reading frame, denoted p.Val398GlyfsX19. This mutation is predicted to cause loss of normal protein function either through protein truncation or nonsense-mediated mRNA decay. Large deletions of one or more exons of the MCCC1 gene have been reported in association with 3-MCC deficiency (Eminoglu, FT et al., 2009; Wang et al., 2012). However, at this time the data is not sufficient to estimate the frequency of such mutations in MCCC1. In two separate studies of patients with a biochemically and/or enzymatically confirmed diagnosis of 3-MCC deficiency, two mutations were identified in either the MCCC1 or MCCC2 gene in 28/28 individuals (Stadler et al., 2006; Dantas et al., 2005). In another study, mutation analysis of both genes in 83 patients identified two mutations in 76 individuals; a single mutation was identified in the remaining patients (Grunert et al., 2012). The variant is found in MCCC1 panel(s).

Literature cited by the submitters: PubMed 11181649 (cited by Labcorp Genetics (formerly Invitae), Labcorp); PubMed 15359379 (cited by Labcorp Genetics (formerly Invitae), Labcorp); PubMed 22642865 (cited by Labcorp Genetics (formerly Invitae), Labcorp).